The following is an entry in ClinVar:

NM_001374259.2(IL12RB2):c.1100T>G (p.Leu367Arg)

Gene: IL12RB2 (interleukin 12 receptor subunit beta 2; plus strand). Cytogenetic location: 1p31.3.
Variant type: single nucleotide variant.
Coding change: c.1100T>G on transcript NM_001374259.2 (MANE Select); coding-DNA position 1100, T replaced by G.
Protein change: p.Leu367Arg; replaces leucine 367 with arginine.
Molecular consequence: missense variant. On other transcripts: non-coding transcript variant (2).
Genome position (GRCh38, 1-based): chr1:67,350,931, T>G. VCF-style: chr1-67350931-T-G. GRCh37 (hg19) VCF-style: chr1-67816614-T-G.
Other names: c.1100T>G, p.Leu367Arg (NM_001258214.1, NM_001258215.1, NM_001258216.1 and 2 more transcripts); short protein forms L367R.
Identifiers: ClinVar variation 2855667 (VCV002855667.3), dbSNP rs1660759207, ClinGen allele CA340736604.

ClinVar aggregate classification (germline): Uncertain significance (1 of 4 stars; one submission).

Allele frequency attached by ClinVar (database versions not stated): TOPMed below 0.00001.

Submission:

Labcorp Genetics (formerly Invitae), Labcorp
Classification: Uncertain significance. Last evaluated: 2023-04-12. Review status: criteria provided, single submitter. Criteria: Invitae Variant Classification Sherloc (09022015). Collection method: clinical testing. Allele origin: germline.
Comment: This variant is not present in population databases (gnomAD no frequency). This sequence change replaces leucine, which is neutral and non-polar, with arginine, which is basic and polar, at codon 367 of the IL12RB2 protein (p.Leu367Arg). This variant has not been reported in the literature in individuals affected with IL12RB2-related conditions. In summary, the available evidence is currently insufficient to determine the role of this variant in disease. Therefore, it has been classified as a Variant of Uncertain Significance. An algorithm developed to predict the effect of missense changes on protein structure and function (PolyPhen-2) suggests that this variant is likely to be tolerated.